The following is an entry in ClinVar:

NR_002717.3(ATXN8OS):n.891_911del

Genes: ATXN8OS (ATXN8 opposite strand lncRNA; plus strand), LOC109461478 (ATXN8 opposite strand (non-protein coding) repeat instability region; plus strand). Cytogenetic location: 13q21.33.
Variant type: Deletion.
Molecular consequence: non-coding transcript variant (on NR_002717.3).
Genome position: GRCh38 VCF-style: chr13-70139377-ACTACTACTGCTGCTGCTGCTG-A. GRCh37 (hg19) VCF-style: chr13-70713509-ACTACTACTGCTGCTGCTGCTG-A.
Identifiers: ClinVar variation 4980593 (VCV004980593.1).
Genomic context (GRCh38, chr13:70,139,377, plus strand): 5'-AGACCCTGGGTCCTTCATGTTAGAAAACCTGGCTTTACTACTACTACTACTACTACTACT[ACTACTACTGCTGCTGCTGCTG>A]CTGCTGCTGCTGCTGCTGCTGCTGCTGCTGCATTTTTTAAAAATATATTATCTTATTTTA-3'

ClinVar aggregate classification (germline): Benign (1 of 4 stars; one submission).

Conditions:
ATXN8OS-related disorder. Also called: ATXN8OS-related condition.

Submission:

PreventionGenetics, part of Exact Sciences
Classification: Benign for ATXN8OS-related condition. Last evaluated: 2025-09-10. Review status: criteria provided, single submitter. Criteria: ACMG Guidelines, 2015. Collection method: clinical testing. Allele origin: germline.
Comment: This variant is classified as benign based on ACMG/AMP sequence variant interpretation guidelines (Richards et al. 2015 PMID: 25741868, with internal and published modifications).